The following is an entry in ClinVar:

ClinVar aggregate classification (germline): Likely benign. Review status: criteria provided, single submitter (1 of 4 stars). 2 submissions from 2 submitters: Likely benign (1). 1 of the submissions does not count toward it. Last evaluated 2025-05-06.

Conditions:
BICD2-related disorder. Also called: BICD2-related condition.
Autosomal dominant childhood-onset proximal spinal muscular atrophy with contractures (SMALED2A). Also called: Spinal muscular atrophy, lower extremity-predominant, 2A, autosomal dominant; SPINAL MUSCULAR ATROPHY, LOWER EXTREMITY-PREDOMINANT, 2A, CHILDHOOD ONSET, AUTOSOMAL DOMINANT. Identifiers: Orphanet 363447, Orphanet 363454, MedGen C4747715, MONDO:0014121, OMIM 615290.

Allele frequency attached by ClinVar (database versions not stated): gnomAD exomes 0.00001 and 0.00004; gnomAD 0.00002; TOPMed 0.00002; ExAC 0.00001.
gnomAD v4.1: 63 of 1,614,080 alleles (0.0039%); highest among the groups gnomAD compares: Non-Finnish European, 0.0048%; no homozygotes.

Submissions (2):

Labcorp Genetics (formerly Invitae), Labcorp
Classification: Likely benign for Autosomal dominant childhood-onset proximal spinal muscular atrophy with contractures. Last evaluated: 2025-05-06. Review status: criteria provided, single submitter. Criteria: Invitae Variant Classification Sherloc (09022015). Collection method: clinical testing. Allele origin: germline.

PreventionGenetics, part of Exact Sciences
Classification: Likely benign for BICD2-related condition. Last evaluated: 2021-10-19. Review status: no assertion criteria provided. Collection method: clinical testing. Allele origin: germline. Not counted in ClinVar's aggregate classification.
Comment: This variant is classified as likely benign based on ACMG/AMP sequence variant interpretation guidelines (Richards et al. 2015 PMID: 25741868, with internal and published modifications).

NM_001003800.2(BICD2):c.849C>G (p.Leu283=)

Gene: BICD2 (BICD cargo adaptor 2; minus strand). Cytogenetic location: 9q22.31.
Variant type: single nucleotide variant.
Coding change: c.849C>G on transcript NM_001003800.2 (MANE Select); coding-DNA position 849, C replaced by G.
Protein change: p.Leu283=; no amino-acid change (leucine 283 retained).
Molecular consequence: synonymous variant.
Genome position (GRCh38, 1-based): chr9:92,720,513, G>C on the plus strand (C>G on the coding strand, the complement: BICD2 is on the minus strand). VCF-style: chr9-92720513-G-C. GRCh37 (hg19) VCF-style: chr9-95482795-G-C.
Other names: c.849C>G, p.Leu283= (NM_015250.4).
Identifiers: ClinVar variation 790901 (VCV000790901.13), dbSNP rs757409146, ClinGen allele CA5126711.
Genomic context (GRCh38, chr9:92,720,513, plus strand): 5'-AAAGCCATTGACCAGGGCCTCGGCATCGTTGTTGGGCTCGGCAGCATCGTCACTGAACTT[G>C]AGGCCATCCAGCGAGACATGCAGGTGGCTGGTGTAGAAGGAGTCATTGATGCTCATGTAG-3'
Protein context (NP_001003800.1, residues 273-293): TSHLHVSLDG[Leu283=]KFSDDAAEPN